The following is an entry in ClinVar:

NM_000639.3(FASLG):c.808G>T (p.Glu270Ter)

Gene: FASLG (Fas ligand; plus strand). Cytogenetic location: 1q24.3.
Variant type: single nucleotide variant.
Coding change: c.808G>T on transcript NM_000639.3 (MANE Select); coding-DNA position 808, G replaced by T.
Protein change: p.Glu270Ter; replaces glutamic acid 270 with a stop codon.
Molecular consequence: nonsense. On other transcripts: 3 prime UTR variant (1).
Genome position (GRCh38, 1-based): chr1:172,665,978, G>T. VCF-style: chr1-172665978-G-T. GRCh37 (hg19) VCF-style: chr1-172635118-G-T.
Other names: c.*378G>T (NM_001302746.2); short protein forms E270*.
Identifiers: ClinVar variation 3905909 (VCV003905909.10).

ClinVar aggregate classification (germline): Likely pathogenic (1 of 4 stars; one submission).

Submission:

CeGaT Center for Human Genetics Tuebingen
Classification: Likely pathogenic. Last evaluated: 2025-05-01. Review status: criteria provided, single submitter. Criteria: CeGaT Center For Human Genetics Tuebingen Variant Classification Criteria Version 2. Collection method: clinical testing. Allele origin: germline. Affected: yes. Observed: 1 variant allele.
Comment: FASLG: PVS1:Strong, PM2